The following is an entry in ClinVar:

NM_016333.4(SRRM2):c.3423C>G (p.Asp1141Glu)

Gene: SRRM2 (serine/arginine repetitive matrix 2; plus strand). Cytogenetic location: 16p13.3.
Variant type: single nucleotide variant.
Coding change: c.3423C>G on transcript NM_016333.4 (MANE Select); coding-DNA position 3423, C replaced by G.
Protein change: p.Asp1141Glu; replaces aspartic acid 1141 with glutamic acid.
Molecular consequence: missense variant.
Genome position (GRCh38, 1-based): chr16:2,763,951, C>G. VCF-style: chr16-2763951-C-G. GRCh37 (hg19) VCF-style: chr16-2813952-C-G.
Other names: short protein forms D1141E.
Identifiers: ClinVar variation 782407 (VCV000782407.29), dbSNP rs72768766, ClinGen allele CA7847892.

ClinVar aggregate classification (germline): Likely benign. Review status: criteria provided, multiple submitters, no conflicts (2 of 4 stars). 3 submissions from 3 submitters: Likely benign (3). Last evaluated 2026-09-01.

Allele frequency attached by ClinVar (database versions not stated): 1000 Genomes Project 0.00100; 1000 Genomes Project 30x 0.00156; TOPMed 0.00335; gnomAD 0.00336 and 0.00338; gnomAD exomes 0.00408 and 0.00527; ESP Exome Variant Server 0.00439; ExAC 0.00474.

Submissions (3):

CeGaT Center for Human Genetics Tuebingen
Classification: Likely benign. Last evaluated: 2026-09-01. Review status: criteria provided, single submitter. Criteria: CeGaT Center For Human Genetics Tuebingen Variant Classification Criteria Version 2. Collection method: clinical testing. Allele origin: germline. Affected: yes. Observed: 7 variant alleles.
Comment: SRRM2: BP4, BS2

Labcorp Genetics (formerly Invitae), Labcorp
Classification: Likely benign. Last evaluated: 2019-12-31. Review status: criteria provided, single submitter. Criteria: Invitae Variant Classification Sherloc (09022015). Collection method: clinical testing. Allele origin: germline.

Breakthrough Genomics
Classification: Likely benign. Review status: criteria provided, single submitter. Criteria: ACMG Guidelines, 2015. Collection method: not provided. Allele origin: germline. Inheritance: Unknown mechanism. Affected: yes.